The following is an entry in ClinVar:

ClinVar aggregate classification (germline): Conflicting classifications of pathogenicity. Review status: criteria provided, conflicting classifications (1 of 4 stars). 3 submissions from 3 submitters: Pathogenic (1); Likely pathogenic (1); Uncertain significance (1). Last evaluated 2026-01-05.

Conditions:
Stargardt disease (FFM). Also called: Fundus flavimaculatus; Stargardt's disease. Identifiers: Orphanet 827, MedGen C0271093, MONDO:0019353.

Allele frequency attached by ClinVar (database versions not stated): ESP Exome Variant Server 0.00008.
gnomAD v4.1: 14 of 1,612,572 alleles (0.00087%); highest among the groups gnomAD compares: Admixed American, 0.0067%; no homozygotes.

Submissions (3):

Women's Health and Genetics/Laboratory Corporation of America, LabCorp
Classification: Likely pathogenic for Stargardt disease. Last evaluated: 2026-01-05. Review status: criteria provided, single submitter. Criteria: LabCorp Variant Classification Summary - May 2015. Collection method: clinical testing. Allele origin: germline.
Comment: Variant summary: ABCA4 c.619G>A (p.Glu207Lys) results in a conservative amino acid change in the encoded protein sequence. Algorithms developed to predict the effect of missense changes on protein structure and function all suggest that this variant is likely to be tolerated. The variant allele was found at a frequency of 2.4e-05 in 249220 control chromosomes. c.619G>A has been observed in individual(s) affected with clinical features of ABCA4-related conditions, retinitis pigmentosa, and/or Stargardt disease (Karali_2022, Testa_2015; internal data). These data indicate that the variant may be associated with disease. To our knowledge, no experimental evidence demonstrating an impact on protein function has been reported. The following publications have been ascertained in the context of this evaluation (PMID: 36460718, 25097154). ClinVar contains an entry for this variant (Variation ID: 837854). Based on the evidence outlined above, the variant was classified as likely pathogenic.

Labcorp Genetics (formerly Invitae), Labcorp
Classification: Pathogenic. Last evaluated: 2025-08-06. Review status: criteria provided, single submitter. Criteria: Invitae Variant Classification Sherloc (09022015). Collection method: clinical testing. Allele origin: germline.
Comment: This sequence change replaces glutamic acid, which is acidic and polar, with lysine, which is basic and polar, at codon 207 of the ABCA4 protein (p.Glu207Lys). This variant is present in population databases (rs147807073, gnomAD 0.007%). This missense change has been observed in individual(s) with clinical features of ABCA4-related conditions (PMID: 25097154, 36460718, 38219857; internal data). ClinVar contains an entry for this variant (Variation ID: 837854). Invitae Evidence Modeling of protein sequence and biophysical properties (such as structural, functional, and spatial information, amino acid conservation, physicochemical variation, residue mobility, and thermodynamic stability) indicates that this missense variant is not expected to disrupt ABCA4 protein function with a negative predictive value of 95%. For these reasons, this variant has been classified as Pathogenic.

Blueprint Genetics
Classification: Uncertain significance. Last evaluated: 2024-07-23. Review status: criteria provided, single submitter. Criteria: ACMG Guidelines, 2015. Collection method: clinical testing. Allele origin: germline.

Literature cited by the submitters: PubMed 36460718 (cited by Women's Health and Genetics/Laboratory Corporation of America, LabCorp and Labcorp Genetics (formerly Invitae), Labcorp); PubMed 25097154 (cited by Women's Health and Genetics/Laboratory Corporation of America, LabCorp and Labcorp Genetics (formerly Invitae), Labcorp); PubMed 38219857 (cited by Labcorp Genetics (formerly Invitae), Labcorp).

NM_000350.3(ABCA4):c.619G>A (p.Glu207Lys)

Gene: ABCA4 (ATP binding cassette subfamily A member 4; minus strand). Cytogenetic location: 1p22.1.
Variant type: single nucleotide variant.
Coding change: c.619G>A on transcript NM_000350.3 (MANE Select); coding-DNA position 619, G replaced by A.
Protein change: p.Glu207Lys; replaces glutamic acid 207 with lysine.
Molecular consequence: missense variant.
Genome position (GRCh38, 1-based): chr1:94,098,943, C>T on the plus strand (G>A on the coding strand, the complement: ABCA4 is on the minus strand). VCF-style: chr1-94098943-C-T. GRCh37 (hg19) VCF-style: chr1-94564499-C-T.
Other names: c.619G>A, p.Glu207Lys (NM_001425324.1); short protein forms E207K.
Identifiers: ClinVar variation 837854 (VCV000837854.11), dbSNP rs147807073, ClinGen allele CA958782.
Genomic context (GRCh38, chr1:94,098,943, plus strand): 5'-AGCGCACCGTCTTTGCCCCGCGTCTCTGGCTGAAGATGATGAAGCGCTCCAGGAGGGCCT[C>T]GCTGCAGGCGATGTCCTTCAGCGCCAGGTCCGGGACTCCATGAGCGAACTGCAGGGAGAA-3'
Protein context (NP_000341.2, residues 197-217): DLALKDIACS[Glu207Lys]ALLERFIIFS